The following is an entry in ClinVar:

ClinVar aggregate classification (germline): Uncertain significance (1 of 4 stars; one submission).

Conditions:
Diffuse cerebral and cerebellar atrophy - intractable seizures - progressive microcephaly syndrome. Also called: Microcephaly, progressive, with seizures and cerebral and cerebellar atrophy. Identifiers: Orphanet 404437, MedGen C4014239, MONDO:0014335, OMIM 615760.

Allele frequency attached by ClinVar (database versions not stated): gnomAD exomes below 0.00001 and 0.00002; ExAC 0.00004.
gnomAD v4.1: 6 of 1,613,834 alleles (0.00037%); highest among the groups gnomAD compares: Admixed American, 0.0017%; no homozygotes.

Submission:

Labcorp Genetics (formerly Invitae), Labcorp
Classification: Uncertain significance for Diffuse cerebral and cerebellar atrophy - intractable seizures - progressive microcephaly syndrome. Last evaluated: 2023-11-27. Review status: criteria provided, single submitter. Criteria: Invitae Variant Classification Sherloc (09022015). Collection method: clinical testing. Allele origin: germline.
Comment: This sequence change replaces isoleucine, which is neutral and non-polar, with threonine, which is neutral and polar, at codon 614 of the QARS protein (p.Ile614Thr). This variant is present in population databases (rs778303235, gnomAD 0.003%). This variant has not been reported in the literature in individuals affected with QARS-related conditions. ClinVar contains an entry for this variant (Variation ID: 1010413). Advanced modeling of protein sequence and biophysical properties (such as structural, functional, and spatial information, amino acid conservation, physicochemical variation, residue mobility, and thermodynamic stability) has been performed at Invitae for this missense variant, however the output from this modeling did not meet the statistical confidence thresholds required to predict the impact of this variant on QARS protein function. In summary, the available evidence is currently insufficient to determine the role of this variant in disease. Therefore, it has been classified as a Variant of Uncertain Significance.

NM_005051.3(QARS1):c.1841T>C (p.Ile614Thr)

Gene: QARS1 (glutaminyl-tRNA synthetase 1; minus strand). Cytogenetic location: 3p21.31.
Variant type: single nucleotide variant.
Coding change: c.1841T>C on transcript NM_005051.3 (MANE Select); coding-DNA position 1841, T replaced by C.
Protein change: p.Ile614Thr; replaces isoleucine 614 with threonine.
Molecular consequence: missense variant. On other transcripts: non-coding transcript variant (1).
Genome position (GRCh38, 1-based): chr3:49,098,907, A>G on the plus strand (T>C on the coding strand, the complement: QARS1 is on the minus strand). VCF-style: chr3-49098907-A-G. GRCh37 (hg19) VCF-style: chr3-49136340-A-G.
Other names: c.1808T>C, p.Ile603Thr (NM_001272073.2); short protein forms I603T, I614T.
Identifiers: ClinVar variation 1010413 (VCV001010413.5), dbSNP rs778303235, ClinGen allele CA2391624.